The following is an entry in ClinVar:

NM_173348.2(FAM149B1):c.1192C>T (p.Pro398Ser)

Genes: DNAJC9 (DnaJ heat shock protein family (Hsp40) member C9; minus strand), FAM149B1 (family with sequence similarity 149 member B1; plus strand). Cytogenetic location: 10q22.2.
Variant type: single nucleotide variant.
Coding change: c.1192C>T on transcript NM_173348.2 (MANE Select); coding-DNA position 1192, C replaced by T.
Protein change: p.Pro398Ser; replaces proline 398 with serine.
Molecular consequence: missense variant.
Genome position (GRCh38, 1-based): chr10:73,233,003, C>T. VCF-style: chr10-73233003-C-T. GRCh37 (hg19) VCF-style: chr10-74992761-C-T.
Other names: short protein forms P398S.
Identifiers: ClinVar variation 3368809 (VCV003368809.1).
Genomic context (GRCh38, chr10:73,233,003, plus strand): 5'-CTTGATGACAAGCTACTTATGAGGCCTGGGTCCAGTACCATCCTTTCAACTCGAAATTGG[C>T]CAAATCGAGCTGTGGAGTTTAGTACATCATCTCTGTCATACACAGTGCAGTCCACCAGGA-3'
Protein context (NP_775483.1, residues 388-408): SSTILSTRNW[Pro398Ser]NRAVEFSTSS

ClinVar aggregate classification (germline): Uncertain significance (1 of 4 stars; one submission).

Submission:

GeneDx
Classification: Uncertain significance. Last evaluated: 2024-02-07. Review status: criteria provided, single submitter. Criteria: GeneDx Variant Classification Process June 2021. Collection method: clinical testing. Allele origin: germline. Affected: yes.
Comment: Not observed at significant frequency in large population cohorts (gnomAD); In silico analysis supports that this missense variant has a deleterious effect on protein structure/function; Has not been previously published as pathogenic or benign to our knowledge